The following is an entry in ClinVar:

ClinVar aggregate classification (germline): Pathogenic (1 of 4 stars; one submission).

Conditions:
Meckel-Gruber syndrome. Also called: Dysencephalia splachnocystica; DYSENCEPHALIA SPLANCHNOCYSTICA; GRUBER SYNDROME. Identifiers: Orphanet 564, MedGen C0265215, MONDO:0018921.
Joubert syndrome. Also called: Familial aplasia of the vermis; JOUBERT-BOLTSHAUSER SYNDROME. Identifiers: Orphanet 475, MedGen C5979921, MONDO:0018772.

Submission:

Labcorp Genetics (formerly Invitae), Labcorp
Classification: Pathogenic for Joubert syndrome; Meckel-Gruber syndrome. Last evaluated: 2025-04-21. Review status: criteria provided, single submitter. Criteria: Invitae Variant Classification Sherloc (09022015). Collection method: clinical testing. Allele origin: germline.
Comment: This variant, c.2996_3001del, results in the deletion of 2 amino acid(s) of the CC2D2A protein (p.Glu999_Glu1000del), but otherwise preserves the integrity of the reading frame. This variant is present in population databases (no rsID available, gnomAD no frequency). This variant has not been reported in the literature in individuals affected with CC2D2A-related conditions. ClinVar contains an entry for this variant (Variation ID: 964901). Algorithms developed to predict the effect of sequence changes on RNA splicing suggest that this variant may disrupt the consensus splice site. This variant disrupts a region of the CC2D2A protein in which other variant(s) (p.Glu1000Val) have been determined to be pathogenic (PMID: 26092869, 26310553). This suggests that this is a clinically significant region of the protein, and that variants that disrupt it are likely to be disease-causing. For these reasons, this variant has been classified as Pathogenic.

Literature cited by the submitters: PubMed 26092869; PubMed 26310553.

NM_001378615.1(CC2D2A):c.2993AAG[1] (p.Glu999_Glu1000del)

Genes: CC2D2A (coiled-coil and C2 domain containing 2A; plus strand), FBXL5 (F-box and leucine rich repeat protein 5; minus strand). Cytogenetic location: 4p15.32.
Variant type: Microsatellite.
Coding change: c.2993AAG[1] on transcript NM_001378615.1 (MANE Select); one copy of the 3-base unit AAG starting at c.2993; the reference has three copies in a row; two copies, 6 bases deleted.
Protein change: p.Glu999_Glu1000del.
Molecular consequence: inframe deletion.
Genome position (GRCh38, 1-based): chr4:15,560,604-15,560,609, AAGAAG deleted; deleting any 6 consecutive bases within chr4:15,560,599-15,560,609 gives the same sequence; the position shown is the placement nearest the transcript's 3' end. VCF-style (leftmost placement, unchanged base first): chr4-15560598-TAGAAGA-T. GRCh37 (hg19) VCF-style: chr4-15562221-TAGAAGA-T.
Other names: c.2993AAG[1], p.Glu999_Glu1000del (NM_001080522.2); c.2846AAG[1], p.Glu950_Glu951del (NM_001378617.1); c.2996_3001del (NM_001080522.2).
Identifiers: ClinVar variation 964901 (VCV000964901.10), dbSNP rs764874938, ClinGen allele CA549894886.
Genomic context (GRCh38, chr4:15,560,598, plus strand): 5'-AATCAGTGATAAATCGTTTCTTAATTGCAAAACAATATTTTCTTCTTGCTGATATGATAG[TAGAAGA>T]AGAAGTTCCCAATATCAGGTAAAAATAATCAAAGCCATTATTATCAATTCTTATAAAAAT-3'